The following is an entry in ClinVar:

ClinVar aggregate classification (germline): Likely benign. Review status: criteria provided, multiple submitters, no conflicts (2 of 4 stars). 2 submissions from 2 submitters: Likely benign (2). Last evaluated 2025-12-15.

Conditions:
RDH5-related disorder. Also called: RDH5-related condition.

Allele frequency attached by ClinVar (database versions not stated): gnomAD exomes below 0.00001 and 0.00004; gnomAD 0.00002; ExAC 0.00003; TOPMed 0.00003.
gnomAD v4.1: 10 of 1,614,062 alleles (0.00062%); highest among the groups gnomAD compares: East Asian, 0.02%; no homozygotes.

Submissions (2):

PreventionGenetics, part of Exact Sciences
Classification: Likely benign for RDH5-related condition. Last evaluated: 2025-12-15. Review status: criteria provided, single submitter. Criteria: ACMG Guidelines, 2015. Collection method: clinical testing. Allele origin: germline.
Comment: This variant is classified as likely benign based on ACMG/AMP sequence variant interpretation guidelines (Richards et al. 2015 PMID: 25741868, with internal and published modifications).

Labcorp Genetics (formerly Invitae), Labcorp
Classification: Likely benign. Last evaluated: 2025-05-31. Review status: criteria provided, single submitter. Criteria: Invitae Variant Classification Sherloc (09022015). Collection method: clinical testing. Allele origin: germline.

NM_002905.5(RDH5):c.813C>T (p.Ala271=)

Genes: BLOC1S1-RDH5 (BLOC1S1-RDH5 readthrough; plus strand), CD63 (CD63 molecule; minus strand), RDH5 (retinol dehydrogenase 5; plus strand). Cytogenetic location: 12q13.2.
Variant type: single nucleotide variant.
Coding change: c.813C>T on transcript NM_002905.5 (MANE Select); coding-DNA position 813, C replaced by T.
Protein change: p.Ala271=; no amino-acid change (alanine 271 retained).
Molecular consequence: synonymous variant. On other transcripts: non-coding transcript variant (1).
Genome position (GRCh38, 1-based): chr12:55,724,401, C>T. VCF-style: chr12-55724401-C-T. GRCh37 (hg19) VCF-style: chr12-56118185-C-T.
Other names: c.813C>T, p.Ala271= (NM_001199771.3); c.813C>T (NM_002905.3).
Identifiers: ClinVar variation 1159720 (VCV001159720.10), dbSNP rs1010806559, ClinGen allele CA6616965.
Genomic context (GRCh38, chr12:55,724,401, plus strand): 5'-CATCATGAACCTGATCTGTGACCCGGACCTAACCAAGGTGAGCCGATGCCTGGAGCATGC[C>T]CTGACTGCTCGACACCCCCGAACCCGCTACAGCCCAGGTTGGGATGCCAAGCTGCTCTGG-3'
Protein context (NP_002896.2, residues 261-281): LTKVSRCLEH[Ala271=]LTARHPRTRY